The following is an entry in ClinVar:

ClinVar aggregate classification (germline): Uncertain significance (0 of 4 stars; one submission).

Conditions:
Polycystic kidney disease. Also called: Polycystic kidney dysplasia; Kidney, Polycystic. Identifiers: MedGen C0022680, MeSH D007690, MONDO:0020642, HP:0000113.

Submission:

Department of Pathology and Laboratory Medicine, Sinai Health System
Classification: Uncertain significance for Polycystic Kidney disease. Review status: no assertion criteria provided. Collection method: clinical testing. Allele origin: unknown. Affected: yes. Study: The Canadian Open Genetics Repository (COGR).
Comment: The PKD1 p.Ile2808Asn variant was not identified in the literature nor was it identified in the dbSNP, ClinVar, LOVD 3.0, ADPKD Mutation Database, PKD1-LOVD, the Exome Aggregation Consortium (August 8th 2016) or the Genome Aggregation Database (Feb 27, 2017). The p.Ile2808 residue is conserved in mammals but not in more distantly related organisms and 5 of 5 computational analyses (PolyPhen-2, SIFT, AlignGVGD, BLOSUM, MutationTaster) suggest that the variant may impact the protein; however, this information is not predictive enough to assume pathogenicity. The variant occurs outside of the splicing consensus sequence and in silico or computational prediction software programs (SpliceSiteFinder, MaxEntScan, NNSPLICE, GeneSplicer) do not predict a difference in splicing. In summary, based on the above information, the clinical significance of this variant cannot be determined with certainty at this time. This variant is classified as a variant of uncertain significance.

NM_001009944.3(PKD1):c.8423T>A (p.Ile2808Asn)

Gene: PKD1 (polycystin 1, transient receptor potential channel interacting; minus strand). Cytogenetic location: 16p13.3.
Variant type: single nucleotide variant.
Coding change: c.8423T>A on transcript NM_001009944.3 (MANE Select); coding-DNA position 8423, T replaced by A.
Protein change: p.Ile2808Asn; replaces isoleucine 2808 with asparagine.
Molecular consequence: missense variant.
Genome position (GRCh38, 1-based): chr16:2,103,634, A>T on the plus strand (T>A on the coding strand, the complement: PKD1 is on the minus strand). VCF-style: chr16-2103634-A-T. GRCh37 (hg19) VCF-style: chr16-2153635-A-T.
Other names: c.8423T>A, p.Ile2808Asn (NM_000296.4); short protein forms I2808N.
Identifiers: ClinVar variation 997119 (VCV000997119.1), dbSNP rs1567177764, ClinGen allele CA394364055.
Genomic context (GRCh38, chr16:2,103,634, plus strand): 5'-AGAAAGATGAGCTGCACCACGTCACTGAGGTTGGCCAGGGCCCCGCTGAAAGCCTCGGGG[A>T]TGGAGAAGTGGCAGCCAGGCCCTGGGGCGCCGCCATAGCACAGCAGGCTCCGCGGGTCCG-3'
Protein context (NP_001009944.3, residues 2798-2818): GAPGPGCHFS[Ile2808Asn]PEAFSGALAN